The following is an entry in ClinVar:

NM_031935.3(HMCN1):c.12188C>T (p.Pro4063Leu)

Gene: HMCN1 (hemicentin 1; plus strand). Cytogenetic location: 1q31.1.
Variant type: single nucleotide variant.
Coding change: c.12188C>T on transcript NM_031935.3 (MANE Select); coding-DNA position 12188, C replaced by T.
Protein change: p.Pro4063Leu; replaces proline 4063 with leucine.
Molecular consequence: missense variant.
Genome position (GRCh38, 1-based): chr1:186,120,104, C>T. VCF-style: chr1-186120104-C-T. GRCh37 (hg19) VCF-style: chr1-186089236-C-T.
Other names: c.12188C>T (NM_031935.2); short protein forms P4063L.
Identifiers: ClinVar variation 2140051 (VCV002140051.5), dbSNP rs147031215, ClinGen allele CA1294285.

ClinVar aggregate classification (germline): Uncertain significance. Review status: criteria provided, multiple submitters, no conflicts (2 of 4 stars). 2 submissions from 2 submitters: Uncertain significance (2). Last evaluated 2025-02-11.

Allele frequency attached by ClinVar (database versions not stated): TOPMed below 0.00001; gnomAD 0.00001; gnomAD exomes 0.00001; ExAC 0.00002; ESP Exome Variant Server 0.00008.
gnomAD v4.1: 18 of 1,613,814 alleles (0.0011%); highest among the groups gnomAD compares: East Asian, 0.013%; no homozygotes.

Submissions (2):

Ambry Genetics
Classification: Uncertain significance. Last evaluated: 2025-02-11. Review status: criteria provided, single submitter. Criteria: Ambry Variant Classification Scheme 2023. Collection method: clinical testing. Allele origin: germline.

Labcorp Genetics (formerly Invitae), Labcorp
Classification: Uncertain significance. Last evaluated: 2022-07-12. Review status: criteria provided, single submitter. Criteria: Invitae Variant Classification Sherloc (09022015). Collection method: clinical testing. Allele origin: germline.
Comment: In summary, the available evidence is currently insufficient to determine the role of this variant in disease. Therefore, it has been classified as a Variant of Uncertain Significance. Algorithms developed to predict the effect of missense changes on protein structure and function are either unavailable or do not agree on the potential impact of this missense change (SIFT: "Tolerated"; PolyPhen-2: "Possibly Damaging"; Align-GVGD: "Class C0"). This variant has not been reported in the literature in individuals affected with HMCN1-related conditions. This variant is present in population databases (rs147031215, gnomAD 0.007%). This sequence change replaces proline, which is neutral and non-polar, with leucine, which is neutral and non-polar, at codon 4063 of the HMCN1 protein (p.Pro4063Leu).